The following is an entry in ClinVar:

ClinVar aggregate classification (germline): Likely benign. Review status: criteria provided, multiple submitters, no conflicts (2 of 4 stars). 2 submissions from 2 submitters: Likely benign (2). Last evaluated 2025-11-01.

Submissions (2):

CeGaT Center for Human Genetics Tuebingen
Classification: Likely benign. Last evaluated: 2025-11-01. Review status: criteria provided, single submitter. Criteria: CeGaT Center For Human Genetics Tuebingen Variant Classification Criteria Version 2. Collection method: clinical testing. Allele origin: germline. Affected: yes. Observed: 1 variant allele.
Comment: SETD1A: BP3

Blueprint Genetics
Classification: Likely benign. Last evaluated: 2024-11-05. Review status: criteria provided, single submitter. Criteria: ACMG Guidelines, 2015. Collection method: clinical testing. Allele origin: germline.

NM_014712.3(SETD1A):c.3129CTC[4] (p.Ser1058del)

Gene: SETD1A (SET domain containing 1A, histone lysine methyltransferase; plus strand). Cytogenetic location: 16p11.2.
Variant type: Microsatellite.
Coding change: c.3129CTC[4] on transcript NM_014712.3 (MANE Select); four copies in a row of the 3-base unit CTC starting at c.3129; the reference has five copies in a row; one copy, 3 bases deleted.
Protein change: p.Ser1058del; deletes serine 1058.
Molecular consequence: inframe deletion.
Genome position (GRCh38, 1-based): chr16:30,971,502-30,971,504, CTC deleted; deleting any 3 consecutive bases within chr16:30,971,488-30,971,504 gives the same sequence; the position shown is the placement nearest the transcript's 3' end. VCF-style (leftmost placement, unchanged base first): chr16-30971487-ATCC-A. GRCh37 (hg19) VCF-style: chr16-30982808-ATCC-A.
Other names: short protein forms S1058del.
Identifiers: ClinVar variation 4533649 (VCV004533649.7).